The following is an entry in ClinVar:

NM_001206999.2(CIT):c.4764C>T (p.Pro1588=)

Gene: CIT (citron rho-interacting serine/threonine kinase; minus strand). Cytogenetic location: 12q24.23.
Variant type: single nucleotide variant.
Coding change: c.4764C>T on transcript NM_001206999.2 (MANE Select); coding-DNA position 4764, C replaced by T.
Protein change: p.Pro1588=; no amino-acid change (proline 1588 retained).
Molecular consequence: synonymous variant.
Genome position (GRCh38, 1-based): chr12:119,712,268, G>A on the plus strand (C>T on the coding strand, the complement: CIT is on the minus strand). VCF-style: chr12-119712268-G-A. GRCh37 (hg19) VCF-style: chr12-120150073-G-A.
Other names: c.4638C>T, p.Pro1546= (NM_007174.3).
Identifiers: ClinVar variation 2643385 (VCV002643385.24), dbSNP rs187589584, ClinGen allele CA6821120.

ClinVar aggregate classification (germline): Likely benign (1 of 4 stars; one submission).

Allele frequency attached by ClinVar (database versions not stated): ExAC 0.00001; gnomAD 0.00001; TOPMed 0.00001.
gnomAD v4.1: 17 of 1,614,052 alleles (0.0011%); highest among the groups gnomAD compares: Non-Finnish European, 0.0014%; no homozygotes.

Submission:

CeGaT Center for Human Genetics Tuebingen
Classification: Likely benign. Last evaluated: 2023-09-01. Review status: criteria provided, single submitter. Criteria: CeGaT Center For Human Genetics Tuebingen Variant Classification Criteria Version 2. Collection method: clinical testing. Allele origin: germline. Affected: yes. Observed: 1 variant allele.
Comment: CIT: PM2:Supporting, BP4, BP7